The following is an entry in ClinVar:

NM_001080421.3(UNC13A):c.4545G>A (p.Thr1515=)

Gene: UNC13A (unc-13 homolog A; minus strand). Cytogenetic location: 19p13.11.
Variant type: single nucleotide variant.
Coding change: c.4545G>A on transcript NM_001080421.3 (MANE Select); coding-DNA position 4545, G replaced by A.
Protein change: p.Thr1515=; no amino-acid change (threonine 1515 retained).
Molecular consequence: synonymous variant.
Genome position (GRCh38, 1-based): chr19:17,617,715, C>T on the plus strand (G>A on the coding strand, the complement: UNC13A is on the minus strand). VCF-style: chr19-17617715-C-T. GRCh37 (hg19) VCF-style: chr19-17728524-C-T.
Other names: p.Thr1515=; c.4533G>A, p.Thr1511= (NM_001387021.1); c.4530G>A, p.Thr1510= (NM_001387022.1); c.4464G>A, p.Thr1488= (NM_001387023.1).
Identifiers: ClinVar variation 4684345 (VCV004684345.1).

ClinVar aggregate classification (germline): Likely benign (1 of 4 stars; one submission).

gnomAD v4.1: 11 of 1,613,838 alleles (0.00068%); highest among the groups gnomAD compares: Non-Finnish European, 0.00093%; no homozygotes.

Submission:

Mayo Clinic Laboratories, Mayo Clinic
Classification: Likely benign. Last evaluated: 2025-12-14. Review status: criteria provided, single submitter. Criteria: ACMG Guidelines, 2015. Collection method: clinical testing. Allele origin: germline. Observed: 1 variant allele.
Comment: BP4, BP7